The following is an entry in ClinVar:

ClinVar aggregate classification (germline): Benign/Likely benign. Review status: criteria provided, multiple submitters, no conflicts (2 of 4 stars). 3 submissions from 3 submitters: Benign (1); Likely benign (2). Last evaluated 2025-06-04.

Conditions:
Tuberous sclerosis 2 (TSC2). Identifiers: Orphanet 805, MedGen C1860707, MONDO:0013199, OMIM 613254.
Hereditary cancer-predisposing syndrome. Also called: Hereditary neoplastic syndrome; Hereditary Cancer Syndrome; Tumor predisposition; Neoplastic Syndromes, Hereditary. Identifiers: Orphanet 140162, MedGen C0027672, MeSH D009386, MONDO:0015356.

Allele frequency attached by ClinVar (database versions not stated): gnomAD exomes below 0.00001; TOPMed below 0.00001.
gnomAD v4.1: 1 of 1,612,826 alleles (0.000062%); highest among the groups gnomAD compares: African/African-American, 0.0013%; no homozygotes.

Submissions (3):

Myriad Genetics, Inc.
Classification: Benign for Tuberous sclerosis 2. Last evaluated: 2025-06-04. Review status: criteria provided, single submitter. Criteria: Myriad Autosomal Dominant, Autosomal Recessive and X-Linked Classification Criteria (2023). Collection method: clinical testing. Allele origin: unknown.
Comment: This variant is considered benign. This variant is a silent/synonymous amino acid change and it is not expected to impact splicing.

Labcorp Genetics (formerly Invitae), Labcorp
Classification: Likely benign for Tuberous sclerosis 2. Last evaluated: 2024-12-28. Review status: criteria provided, single submitter. Criteria: Invitae Variant Classification Sherloc (09022015). Collection method: clinical testing. Allele origin: germline.

Ambry Genetics
Classification: Likely benign for Hereditary cancer-predisposing syndrome. Last evaluated: 2024-01-03. Review status: criteria provided, single submitter. Criteria: Ambry Variant Classification Scheme 2023. Collection method: clinical testing. Allele origin: germline.

NM_000548.5(TSC2):c.4725G>C (p.Leu1575=)

Gene: TSC2 (TSC complex subunit 2; plus strand). Cytogenetic location: 16p13.3.
Variant type: single nucleotide variant.
Coding change: c.4725G>C on transcript NM_000548.5 (MANE Select); coding-DNA position 4725, G replaced by C.
Protein change: p.Leu1575=; no amino-acid change (leucine 1575 retained).
Molecular consequence: synonymous variant.
Genome position (GRCh38, 1-based): chr16:2,086,255, G>C. VCF-style: chr16-2086255-G-C. GRCh37 (hg19) VCF-style: chr16-2136256-G-C.
Other names: c.4725G>C (NM_000548.3); c.4524G>C, p.Leu1508= (NM_001077183.3); c.4656G>C, p.Leu1552= (NM_001114382.3); c.4416G>C, p.Leu1472= (NM_001318827.2); c.4380G>C, p.Leu1460= (NM_001318829.2); c.3993G>C, p.Leu1331= (NM_001318831.2); c.4557G>C, p.Leu1519= (NM_001318832.2); c.4527G>C, p.Leu1509= (NM_001363528.2); and 2 more.
Identifiers: ClinVar variation 1668943 (VCV001668943.10), dbSNP rs1308764758, ClinGen allele CA493043528.
Genomic context (GRCh38, chr16:2,086,255, plus strand): 5'-CAACAGCGAGCTCGCCATCCTGTCCAATGAGCATGGCTCCTACAGGTACACGGAGTTCCT[G>C]ACGGGCCTGGGCCGGCTCATCGAGCTGAAGGACTGCCAGCCGGACAAGGTGTACCTGGGA-3'
Protein context (NP_000539.2, residues 1565-1585): EHGSYRYTEF[Leu1575=]TGLGRLIELK